The following is an entry in ClinVar:

NM_080473.5(GATA5):c.155G>T (p.Ser52Ile)

Gene: GATA5 (GATA binding protein 5; minus strand). Cytogenetic location: 20q13.33.
Variant type: single nucleotide variant.
Coding change: c.155G>T on transcript NM_080473.5 (MANE Select); coding-DNA position 155, G replaced by T.
Protein change: p.Ser52Ile; replaces serine 52 with isoleucine.
Molecular consequence: missense variant.
Genome position (GRCh38, 1-based): chr20:62,475,367, C>A on the plus strand (G>T on the coding strand, the complement: GATA5 is on the minus strand). VCF-style: chr20-62475367-C-A. GRCh37 (hg19) VCF-style: chr20-61050423-C-A.
Other names: short protein forms S52I.
Identifiers: ClinVar variation 1515081 (VCV001515081.8), dbSNP rs781995328, ClinGen allele CA409557644.

ClinVar aggregate classification (germline): Uncertain significance. Review status: criteria provided, multiple submitters, no conflicts (2 of 4 stars). 2 submissions from 2 submitters: Uncertain significance (2). Last evaluated 2025-01-19.

Conditions:
Congenital heart defects, multiple types, 5. Identifiers: MedGen C4693563, MONDO:0060663, OMIM 617912.

Submissions (2):

Labcorp Genetics (formerly Invitae), Labcorp
Classification: Uncertain significance. Last evaluated: 2025-01-19. Review status: criteria provided, single submitter. Criteria: Invitae Variant Classification Sherloc (09022015). Collection method: clinical testing. Allele origin: germline.
Comment: This sequence change replaces serine, which is neutral and polar, with isoleucine, which is neutral and non-polar, at codon 52 of the GATA5 protein (p.Ser52Ile). This variant is present in population databases (no rsID available, gnomAD 0.01%). This variant has not been reported in the literature in individuals affected with GATA5-related conditions. ClinVar contains an entry for this variant (Variation ID: 1515081). Invitae Evidence Modeling of protein sequence and biophysical properties (such as structural, functional, and spatial information, amino acid conservation, physicochemical variation, residue mobility, and thermodynamic stability) indicates that this missense variant is not expected to disrupt GATA5 protein function with a negative predictive value of 80%. In summary, the available evidence is currently insufficient to determine the role of this variant in disease. Therefore, it has been classified as a Variant of Uncertain Significance.

Juno Genomics, Hangzhou Juno Genomics, Inc
Classification: Uncertain significance for Congenital heart defects, multiple types, 5. Review status: criteria provided, single submitter. Criteria: ACMG Guidelines, 2015. Collection method: clinical testing. Allele origin: germline.
Comment: Absent from controls (or at extremely low frequency if recessive) in Genome Aggregation Database.